The following is an entry in ClinVar:

NM_001378477.3(NYX):c.491A>T (p.Asn164Ile)

Gene: NYX (nyctalopin; plus strand). Cytogenetic location: Xp11.4.
Variant type: single nucleotide variant.
Coding change: c.491A>T on transcript NM_001378477.3 (MANE Select); coding-DNA position 491, A replaced by T.
Protein change: p.Asn164Ile; replaces asparagine 164 with isoleucine.
Molecular consequence: missense variant.
Genome position (GRCh38, 1-based): chrX:41,473,959, A>T. VCF-style: chrX-41473959-A-T. GRCh37 (hg19) VCF-style: chrX-41333212-A-T.
Other names: c.491A>T, p.Asn164Ile (NM_022567.3); short protein forms N164I.
Identifiers: ClinVar variation 2759287 (VCV002759287.3), dbSNP rs2519607428, ClinGen allele CA412990602.

ClinVar aggregate classification (germline): Uncertain significance (1 of 4 stars; one submission).

Submission:

Labcorp Genetics (formerly Invitae), Labcorp
Classification: Uncertain significance. Last evaluated: 2023-12-17. Review status: criteria provided, single submitter. Criteria: Invitae Variant Classification Sherloc (09022015). Collection method: clinical testing. Allele origin: germline.
Comment: This sequence change replaces asparagine, which is neutral and polar, with isoleucine, which is neutral and non-polar, at codon 169 of the NYX protein (p.Asn169Ile). This variant is not present in population databases (gnomAD no frequency). This variant has not been reported in the literature in individuals affected with NYX-related conditions. Advanced modeling of protein sequence and biophysical properties (such as structural, functional, and spatial information, amino acid conservation, physicochemical variation, residue mobility, and thermodynamic stability) performed at Invitae indicates that this missense variant is expected to disrupt NYX protein function with a positive predictive value of 80%. In summary, the available evidence is currently insufficient to determine the role of this variant in disease. Therefore, it has been classified as a Variant of Uncertain Significance.